The following is an entry in ClinVar:

NM_015030.2(FRYL):c.6838A>G (p.Ile2280Val)

Gene: FRYL (FRY like transcription coactivator; minus strand). Cytogenetic location: 4p11.
Variant type: single nucleotide variant.
Coding change: c.6838A>G on transcript NM_015030.2 (MANE Select); coding-DNA position 6838, A replaced by G.
Protein change: p.Ile2280Val; replaces isoleucine 2280 with valine.
Molecular consequence: missense variant.
Genome position (GRCh38, 1-based): chr4:48,531,221, T>C on the plus strand (A>G on the coding strand, the complement: FRYL is on the minus strand). VCF-style: chr4-48531221-T-C. GRCh37 (hg19) VCF-style: chr4-48533238-T-C.
Other names: short protein forms I2280V.
Identifiers: ClinVar variation 4886657 (VCV004886657.2).
Genomic context (GRCh38, chr4:48,531,221, plus strand): 5'-ATATATCAAAATGAAAATCTAAGGTCTTCCCAGGCAACTCCTTAGAAACATTATTAAAAA[T>C]TTTAGTGAAGGATATTTCAGGAGAACCTGTATCTCCTCCATAGGTCTTGGGGATATCACT-3'
Protein context (NP_055845.1, residues 2270-2290): TGSPEISFTK[Ile2280Val]FNNVSKELPG

ClinVar aggregate classification (germline): Uncertain significance (1 of 4 stars; one submission).

Submission:

Dasa
Classification: Uncertain significance. Last evaluated: 2025-07-20. Review status: criteria provided, single submitter. Criteria: DASA Assertion Criteria. Collection method: clinical testing. Allele origin: germline.
Comment: NM_015030.2(FRYL):c.6838A>G (p.Ile2280Val) is a missense variant that results in the substitution of isoleucine with valine. This variant is absent from population databases. Computational prediction algorithms are consistent with a benign effect. The currently available literature and clinical evidence are not sufficient to establish a definitive association between this variant and the reported condition. Therefore, this variant is classified as a variant of uncertain significance.